The following is an entry in ClinVar:

ClinVar aggregate classification (germline): Benign. Review status: criteria provided, single submitter (1 of 4 stars). 2 submissions from 2 submitters: Benign (1). 1 of the submissions does not count toward it. Last evaluated 2025-07-20.

Conditions:
Autosomal dominant childhood-onset proximal spinal muscular atrophy with contractures (SMALED2A). Also called: SPINAL MUSCULAR ATROPHY, LOWER EXTREMITY-PREDOMINANT, 2A, CHILDHOOD ONSET, AUTOSOMAL DOMINANT; Spinal muscular atrophy, lower extremity-predominant, 2A, autosomal dominant. Identifiers: Orphanet 363447, Orphanet 363454, MedGen C4747715, MONDO:0014121, OMIM 615290.
BICD2-related disorder. Also called: BICD2-related condition.

Allele frequency attached by ClinVar (database versions not stated): ESP Exome Variant Server 0.00008; 1000 Genomes Project 30x 0.00125; 1000 Genomes Project 0.00140.
gnomAD v4.1: 101 of 1,613,146 alleles (0.0063%); highest among the groups gnomAD compares: East Asian, 0.06%; no homozygotes.

Submissions (2):

Labcorp Genetics (formerly Invitae), Labcorp
Classification: Benign for Autosomal dominant childhood-onset proximal spinal muscular atrophy with contractures. Last evaluated: 2025-07-20. Review status: criteria provided, single submitter. Criteria: Invitae Variant Classification Sherloc (09022015). Collection method: clinical testing. Allele origin: germline.

PreventionGenetics, part of Exact Sciences
Classification: Likely benign for BICD2-related condition. Last evaluated: 2019-06-13. Review status: no assertion criteria provided. Collection method: clinical testing. Allele origin: germline. Not counted in ClinVar's aggregate classification.
Comment: This variant is classified as likely benign based on ACMG/AMP sequence variant interpretation guidelines (Richards et al. 2015 PMID: 25741868, with internal and published modifications).

NM_001003800.2(BICD2):c.453+9G>T

Gene: BICD2 (BICD cargo adaptor 2; minus strand). Cytogenetic location: 9q22.31.
Variant type: single nucleotide variant.
Coding change: c.453+9G>T on transcript NM_001003800.2 (MANE Select); 9 bases into the intron after coding-DNA position 453, G replaced by T.
Molecular consequence: intron variant.
Genome position (GRCh38, 1-based): chr9:92,729,015, C>A on the plus strand (G>T on the coding strand, the complement: BICD2 is on the minus strand). VCF-style: chr9-92729015-C-A. GRCh37 (hg19) VCF-style: chr9-95491297-C-A.
Other names: c.453+9G>T (NM_015250.4, NM_001003800.1).
Identifiers: ClinVar variation 1166073 (VCV001166073.11), dbSNP rs202189685, ClinGen allele CA5126819.